The following is an entry in ClinVar:

NM_139058.3(ARX):c.1180_1187del (p.His394fs)

Gene: ARX (aristaless related homeobox; minus strand). Cytogenetic location: Xp21.3.
Variant type: Deletion.
Coding change: c.1180_1187del on transcript NM_139058.3 (MANE Select); coding-DNA positions 1180 to 1187, 8 bases deleted (CACCCCCC; older notation c.1180_1187delCACCCCCC).
Protein change: p.His394fs; shifts the reading frame from histidine 394.
Molecular consequence: frameshift variant.
Genome position (GRCh38, 1-based): chrX:25,007,372-25,007,379, GGGGGGTG deleted on the plus strand (CACCCCCC on the coding strand, the reverse complement: ARX is on the minus strand); deleting any 8 consecutive bases within chrX:25,007,372-25,007,381 gives the same sequence; the c. name uses the placement nearest the transcript's 3' end. VCF-style (leftmost placement, unchanged base first): chrX-25007371-AGGGGGGTG-A. GRCh37 (hg19) VCF-style: chrX-25025488-AGGGGGGTG-A.
Other names: short protein forms H394fs.
Identifiers: ClinVar variation 2940905 (VCV002940905.3), dbSNP rs2519101904, ClinGen allele CA2740092069.

ClinVar aggregate classification (germline): Pathogenic (1 of 4 stars; one submission).

Conditions:
Intellectual disability, X-linked, with or without seizures, ARX-related. Also called: MENTAL RETARDATION, X-LINKED 29; MENTAL RETARDATION, X-LINKED 32; MENTAL RETARDATION, X-LINKED 33; MENTAL RETARDATION, X-LINKED 38; MENTAL RETARDATION, X-LINKED 43; MENTAL RETARDATION, X-LINKED 76. Identifiers: Orphanet 777, MedGen C0796244, MONDO:0010317, OMIM 300419.
Developmental and epileptic encephalopathy, 1 (DEE1). Also called: INFANTILE SPASM SYNDROME, X-LINKED 1; X-linked infantile spasms; West's syndrome; Tonic spasms with clustering, arrest of psychomotor development and hypsarrhythmia on EEG; X-Linked Infantile Spasm Syndrome; OHTAHARA SYNDROME, X-LINKED. Identifiers: MedGen C3463992, MONDO:0010632, OMIM 308350. Disease mechanism: loss of function.

Submission:

Labcorp Genetics (formerly Invitae), Labcorp
Classification: Pathogenic for Developmental and epileptic encephalopathy, 1; Intellectual disability, X-linked, with or without seizures, ARX-related. Last evaluated: 2022-11-04. Review status: criteria provided, single submitter. Criteria: Invitae Variant Classification Sherloc (09022015). Collection method: clinical testing. Allele origin: germline.
Comment: This sequence change creates a premature translational stop signal (p.His394Trpfs*135) in the ARX gene. While this is not anticipated to result in nonsense mediated decay, it is expected to disrupt the last 169 amino acid(s) of the ARX protein. This variant is not present in population databases (gnomAD no frequency). For these reasons, this variant has been classified as Pathogenic. This variant disrupts a region of the ARX protein in which other variant(s) (p.Arg527Alafs*5) have been determined to be pathogenic (PMID: 31623504). This suggests that this is a clinically significant region of the protein, and that variants that disrupt it are likely to be disease-causing. This variant has not been reported in the literature in individuals affected with ARX-related conditions.

Literature cited by the submitters: PubMed 31623504.